The following is an entry in ClinVar:

NM_001267550.2(TTN):c.15497-2A>G

Gene: TTN (titin; minus strand). Cytogenetic location: 2q31.2.
Variant type: single nucleotide variant.
Coding change: c.15497-2A>G on transcript NM_001267550.2 (MANE Select); the canonical splice acceptor site of the intron before coding-DNA position 15497, A replaced by G.
Molecular consequence: splice acceptor variant. On other transcripts: intron variant (3).
Genome position (GRCh38, 1-based): chr2:178,733,894, T>C on the plus strand (A>G on the coding strand, the complement: TTN is on the minus strand). VCF-style: chr2-178733894-T-C. GRCh37 (hg19) VCF-style: chr2-179598621-T-C.
Other names: c.13282+4188A>G (NM_003319.4); c.13858+4188A>G (NM_133437.4); c.13657+4188A>G (NM_133432.3); c.11765-2A>G (NM_133378.4); c.14546-2A>G (NM_001256850.1).
Identifiers: ClinVar variation 573440 (VCV000573440.11), dbSNP rs1232334931, ClinGen allele CA349593557.

ClinVar aggregate classification (germline): Conflicting classifications of pathogenicity. Review status: criteria provided, conflicting classifications (1 of 4 stars). 3 submissions from 3 submitters: Likely pathogenic (1); Uncertain significance (2). Last evaluated 2024-11-04.

Conditions:
Autosomal recessive limb-girdle muscular dystrophy type 2J (LGMDR10). Also called: MUSCULAR DYSTROPHY, LIMB-GIRDLE, AUTOSOMAL RECESSIVE 10; Limb-girdle muscular dystrophy, type 2J. Identifiers: Orphanet 140922, MedGen C1837342, MONDO:0012127, OMIM 608807.
Dilated cardiomyopathy 1G (CMD1G). Identifiers: Orphanet 154, MedGen C1858763, MONDO:0011400, OMIM 604145.
Hypertrophic cardiomyopathy 9. Also called: Familial hypertrophic cardiomyopathy 9. Identifiers: MedGen C1861065, MONDO:0013412, OMIM 613765.
Tibial muscular dystrophy (TMD). Also called: Tibial muscular dystrophy, tardive; Udd Distal Myopathy – Tibial Muscular Dystrophy; UDD MYOPATHY. Identifiers: Orphanet 609, MedGen C1838244, MONDO:0010870, OMIM 600334.
Early-onset myopathy with fatal cardiomyopathy (CMYO5). Also called: CONGENITAL MYOPATHY 5 WITH CARDIOMYOPATHY; Salih Myopathy. Identifiers: Orphanet 289377, MedGen C2673677, MONDO:0012714, OMIM 611705. Disease mechanism: loss of function.
Myopathy, myofibrillar, 9, with early respiratory failure (MFM9). Also called: Myopathy, distal, with early respiratory failure, autosomal dominant; Hereditary myopathy with early respiratory failure; EDSTROM MYOPATHY; MYOPATHY, PROXIMAL, WITH EARLY RESPIRATORY MUSCLE INVOLVEMENT. Identifiers: Orphanet 178464, Orphanet 34521, MedGen C1863599, MONDO:0011362, OMIM 603689.

Allele frequency attached by ClinVar (database versions not stated): TOPMed below 0.00001.

Submissions (3):

Labcorp Genetics (formerly Invitae), Labcorp
Classification: Likely pathogenic for Dilated cardiomyopathy 1G; Autosomal recessive limb-girdle muscular dystrophy type 2J. Last evaluated: 2024-11-04. Review status: criteria provided, single submitter. Criteria: Invitae Variant Classification Sherloc (09022015). Collection method: clinical testing. Allele origin: germline.
Comment: This sequence change affects an acceptor splice site in intron 52 of the TTN gene. It is expected to disrupt RNA splicing and likely results in a truncated or disrupted TTN protein. This variant is not present in population databases (gnomAD no frequency). This variant has not been reported in the literature in individuals affected with TTN-related conditions. ClinVar contains an entry for this variant (Variation ID: 573440). Algorithms developed to predict the effect of sequence changes on RNA splicing suggest that this variant may disrupt the consensus splice site. This variant is located in the I band of TTN (PMID: 25589632). Truncating variants in this region have been reported in individuals affected with autosomal recessive centronuclear myopathy (PMID: 23975875, internal data). Truncating variants in this region have also been identified in individuals affected with autosomal dominant dilated cardiomyopathy and/or cardio-related conditions (PMID: 27869827, 32964742, internal data). In summary, the currently available evidence indicates that the variant is pathogenic, but additional data are needed to prove that conclusively. Therefore, this variant has been classified as Likely Pathogenic.

AiLife Diagnostics
Classification: Uncertain significance. Last evaluated: 2022-02-13. Review status: criteria provided, single submitter. Criteria: ACMG Guidelines, 2015. Collection method: clinical testing. Allele origin: germline. Affected: yes. Observed: 1 variant allele.

Fulgent Genetics
Classification: Uncertain significance for Tibial muscular dystrophy; Myopathy, myofibrillar, 9, with early respiratory failure; Dilated cardiomyopathy 1G; Autosomal recessive limb-girdle muscular dystrophy type 2J; Early-onset myopathy with fatal cardiomyopathy; Hypertrophic cardiomyopathy 9. Last evaluated: 2021-07-27. Review status: criteria provided, single submitter. Criteria: ACMG Guidelines, 2015. Collection method: clinical testing. Allele origin: unknown.

Literature cited by the submitters: PubMed 25589632 (cited by Labcorp Genetics (formerly Invitae), Labcorp); PubMed 23975875 (cited by Labcorp Genetics (formerly Invitae), Labcorp); PubMed 27869827 (cited by Labcorp Genetics (formerly Invitae), Labcorp); PubMed 32964742 (cited by Labcorp Genetics (formerly Invitae), Labcorp).